The following is an entry in ClinVar:

ClinVar aggregate classification (germline): Uncertain significance (1 of 4 stars; one submission).

Conditions:
Hereditary cancer-predisposing syndrome. Also called: Neoplastic Syndromes, Hereditary; Tumor predisposition; Hereditary Cancer Syndrome; Hereditary neoplastic syndrome. Identifiers: Orphanet 140162, MedGen C0027672, MeSH D009386, MONDO:0015356.

Submission:

Ambry Genetics
Classification: Uncertain significance for Hereditary cancer-predisposing syndrome. Last evaluated: 2022-09-27. Review status: criteria provided, single submitter. Criteria: Ambry Variant Classification Scheme 2023. Collection method: clinical testing. Allele origin: germline.
Comment: The p.T1112K variant (also known as c.3335C>A), located in coding exon 15 of the APC gene, results from a C to A substitution at nucleotide position 3335. The threonine at codon 1112 is replaced by lysine, an amino acid with similar properties. This amino acid position is conserved. In addition, in silico predictors for this gene do not accurately predict pathogenicity. Since supporting evidence is limited at this time, the clinical significance of this alteration remains unclear.

NM_000038.6(APC):c.3335C>A (p.Thr1112Lys)

Gene: APC (APC regulator of Wnt signaling pathway; plus strand). Cytogenetic location: 5q22.2.
Variant type: single nucleotide variant.
Coding change: c.3335C>A on transcript NM_000038.6 (MANE Select); coding-DNA position 3335, C replaced by A.
Protein change: p.Thr1112Lys; replaces threonine 1112 with lysine.
Molecular consequence: missense variant.
Genome position (GRCh38, 1-based): chr5:112,838,929, C>A. VCF-style: chr5-112838929-C-A. GRCh37 (hg19) VCF-style: chr5-112174626-C-A.
Other names: c.3335C>A, p.Thr1112Lys (NM_001127510.3, NM_001354895.2); c.3281C>A, p.Thr1094Lys (NM_001127511.3); c.3389C>A, p.Thr1130Lys (NM_001354896.2); c.3365C>A, p.Thr1122Lys (NM_001354897.2); c.3260C>A, p.Thr1087Lys (NM_001354898.2); c.3251C>A, p.Thr1084Lys (NM_001354899.2); c.3212C>A, p.Thr1071Lys (NM_001354900.2); c.3158C>A, p.Thr1053Lys (NM_001354901.2); and 5 more; short protein forms T1094K, T1112K, T1122K, T1130K, T829K, T952K, T1021K, T1071K.
Identifiers: ClinVar variation 1730350 (VCV001730350.2), dbSNP rs146007372, ClinGen allele CA16028645.